The following is an entry in ClinVar:

NM_004006.3(DMD):c.448A>C (p.Asn150His)

Gene: DMD (dystrophin; minus strand). Cytogenetic location: Xp21.1.
Variant type: single nucleotide variant.
Coding change: c.448A>C on transcript NM_004006.3 (MANE Select); coding-DNA position 448, A replaced by C.
Protein change: p.Asn150His; replaces asparagine 150 with histidine.
Molecular consequence: missense variant.
Genome position (GRCh38, 1-based): chrX:32,816,550, T>G on the plus strand (A>C on the coding strand, the complement: DMD is on the minus strand). VCF-style: chrX-32816550-T-G. GRCh37 (hg19) VCF-style: chrX-32834667-T-G.
Other names: c.448A>C (NM_004006.2); c.424A>C, p.Asn142His (NM_000109.4); c.436A>C, p.Asn146His (NM_004009.3); c.79A>C, p.Asn27His (NM_004010.3); short protein forms N27H, N150H, N142H, N146H.
Identifiers: ClinVar variation 1464207 (VCV001464207.8), dbSNP rs1341299449, ClinGen allele CA412674199.

ClinVar aggregate classification (germline): Uncertain significance. Review status: criteria provided, multiple submitters, no conflicts (2 of 4 stars). 2 submissions from 2 submitters: Uncertain significance (2). Last evaluated 2025-11-26.

Conditions:
Duchenne muscular dystrophy (DMD). Also called: Duchenne Muscular Dystrophy (DMD); MUSCULAR DYSTROPHY, PSEUDOHYPERTROPHIC PROGRESSIVE, DUCHENNE TYPE. Identifiers: Orphanet 98896, MedGen C0013264, MONDO:0010679, OMIM 310200.
Cardiovascular phenotype. Identifiers: MedGen CN230736.

Allele frequency attached by ClinVar (database versions not stated): gnomAD 0.00001; gnomAD exomes 0.00001; TOPMed 0.00002.
gnomAD v4.1: 5 of 1,209,492 alleles (0.00041%); highest among the groups gnomAD compares: Admixed American, 0.0022%; no homozygotes.

Submissions (2):

Labcorp Genetics (formerly Invitae), Labcorp
Classification: Uncertain significance for Duchenne muscular dystrophy. Last evaluated: 2025-11-26. Review status: criteria provided, single submitter. Criteria: Invitae Variant Classification Sherloc (09022015). Collection method: clinical testing. Allele origin: germline.
Comment: This sequence change replaces asparagine, which is neutral and polar, with histidine, which is basic and polar, at codon 150 of the DMD protein (p.Asn150His). This variant is not present in population databases (gnomAD no frequency). This variant has not been reported in the literature in individuals affected with DMD-related conditions. ClinVar contains an entry for this variant (Variation ID: 1464207). Invitae Evidence Modeling of protein sequence and biophysical properties (such as structural, functional, and spatial information, amino acid conservation, physicochemical variation, residue mobility, and thermodynamic stability) indicates that this missense variant is not expected to disrupt DMD protein function with a negative predictive value of 95%. In summary, the available evidence is currently insufficient to determine the role of this variant in disease. Therefore, it has been classified as a Variant of Uncertain Significance.

Ambry Genetics
Classification: Uncertain significance for Cardiovascular phenotype. Last evaluated: 2024-11-23. Review status: criteria provided, single submitter. Criteria: Ambry Variant Classification Scheme 2023. Collection method: clinical testing. Allele origin: germline.
Comment: The p.N150H variant (also known as c.448A>C), located in coding exon 6 of the DMD gene, results from an A to C substitution at nucleotide position 448. The asparagine at codon 150 is replaced by histidine, an amino acid with similar properties. This amino acid position is not well conserved in available vertebrate species. In addition, this alteration is predicted to be tolerated by in silico analysis. Based on the available evidence, the clinical significance of this variant remains unclear.